The following is an entry in ClinVar:

ClinVar aggregate classification (germline): Uncertain significance (1 of 4 stars; one submission).

Conditions:
Aicardi-Goutieres syndrome 5. Identifiers: Orphanet 51, MedGen C2749659, MONDO:0013059, OMIM 612952.

Allele frequency attached by ClinVar (database versions not stated): gnomAD 0.00001; gnomAD exomes 0.00001 and 0.00002; ExAC 0.00002.

Submission:

Labcorp Genetics (formerly Invitae), Labcorp
Classification: Uncertain significance for Aicardi-Goutieres syndrome 5. Last evaluated: 2022-06-20. Review status: criteria provided, single submitter. Criteria: Invitae Variant Classification Sherloc (09022015). Collection method: clinical testing. Allele origin: germline.
Comment: This sequence change replaces lysine, which is basic and polar, with arginine, which is basic and polar, at codon 148 of the SAMHD1 protein (p.Lys148Arg). This variant is present in population databases (rs761306482, gnomAD 0.02%). This variant has not been reported in the literature in individuals affected with SAMHD1-related conditions. Algorithms developed to predict the effect of missense changes on protein structure and function are either unavailable or do not agree on the potential impact of this missense change (SIFT: "Tolerated"; PolyPhen-2: "Probably Damaging"; Align-GVGD: "Class C0"). Algorithms developed to predict the effect of sequence changes on RNA splicing suggest that this variant may create or strengthen a splice site. In summary, the available evidence is currently insufficient to determine the role of this variant in disease. Therefore, it has been classified as a Variant of Uncertain Significance.

NM_015474.4(SAMHD1):c.443A>G (p.Lys148Arg)

Gene: SAMHD1 (SAM and HD domain containing deoxynucleoside triphosphate triphosphohydrolase 1; minus strand). Cytogenetic location: 20q11.23.
Variant type: single nucleotide variant.
Coding change: c.443A>G on transcript NM_015474.4 (MANE Select); coding-DNA position 443, A replaced by G.
Protein change: p.Lys148Arg; replaces lysine 148 with arginine.
Molecular consequence: missense variant.
Genome position (GRCh38, 1-based): chr20:36,935,095, T>C on the plus strand (A>G on the coding strand, the complement: SAMHD1 is on the minus strand). VCF-style: chr20-36935095-T-C. GRCh37 (hg19) VCF-style: chr20-35563498-T-C.
Other names: c.443A>G, p.Lys148Arg (NM_001363729.2, NM_001363733.2); short protein forms K148R.
Identifiers: ClinVar variation 1437945 (VCV001437945.5), dbSNP rs761306482, ClinGen allele CA9844737.
Genomic context (GRCh38, chr20:36,935,095, plus strand): 5'-CTATGCTCAAATCGATTGTGTGAAGCTCCTGGAAAAACATAGTAACCACCTCCCAGCTGT[T>C]TGATGTATCGAAGACGTTGAAATTGAGGTGTATCAATGATTCGGACGAGGAGAGGGTGGA-3'
Protein context (NP_056289.2, residues 138-158): TPQFQRLRYI[Lys148Arg]QLGGGYYVFP